The following is an entry in ClinVar:

ClinVar aggregate classification (germline): Likely pathogenic (1 of 4 stars; one submission).

Submission:

GeneDx
Classification: Likely pathogenic. Last evaluated: 2019-07-30. Review status: criteria provided, single submitter. Criteria: GeneDx Variant Classification Process June 2021. Collection method: clinical testing. Allele origin: germline. Affected: yes.
Comment: Not observed in large population cohorts (Lek et al., 2016); In silico analysis, which includes protein predictors and evolutionary conservation, supports a deleterious effect; In-silico analysis using splice predictors is inconclusive as to whether the variant alters gene splicing. In the absence of RNA/functional studies, the actual effect of this sequence change is unknown.; The majority of missense variants in this gene are considered pathogenic (Stenson et al., 2014); Variant is predicted to be within the N-terminal cytoplasmic domain; Has not been previously published as pathogenic or benign to our knowledge

NM_001040142.2(SCN2A):c.356G>T (p.Arg119Ile)

Gene: SCN2A (sodium voltage-gated channel alpha subunit 2; plus strand). Cytogenetic location: 2q24.3.
Variant type: single nucleotide variant.
Coding change: c.356G>T on transcript NM_001040142.2 (MANE Select); coding-DNA position 356, G replaced by T.
Protein change: p.Arg119Ile; replaces arginine 119 with isoleucine.
Molecular consequence: missense variant.
Genome position (GRCh38, 1-based): chr2:165,297,105, G>T. VCF-style: chr2-165297105-G-T. GRCh37 (hg19) VCF-style: chr2-166153615-G-T.
Other names: c.356G>T, p.Arg119Ile (NM_001040143.2, NM_001371246.1, NM_001371247.1 and 1 more transcripts); short protein forms R119I.
Identifiers: ClinVar variation 1219648 (VCV001219648.3), dbSNP rs2106151229, ClinGen allele CA349011836.